The following is an entry in ClinVar:

NM_004655.4(AXIN2):c.1302C>A (p.Asp434Glu)

Gene: AXIN2 (axin 2; minus strand). Cytogenetic location: 17q24.1.
Variant type: single nucleotide variant.
Coding change: c.1302C>A on transcript NM_004655.4 (MANE Select); coding-DNA position 1302, C replaced by A.
Protein change: p.Asp434Glu; replaces aspartic acid 434 with glutamic acid.
Molecular consequence: missense variant.
Genome position (GRCh38, 1-based): chr17:65,537,734, G>T on the plus strand (C>A on the coding strand, the complement: AXIN2 is on the minus strand). VCF-style: chr17-65537734-G-T. GRCh37 (hg19) VCF-style: chr17-63533852-G-T.
Other names: c.1302C>A, p.Asp434Glu (NM_001363813.1); short protein forms D434E.
Identifiers: ClinVar variation 2013600 (VCV002013600.5), dbSNP rs2509417111, ClinGen allele CA400677780.
Genomic context (GRCh38, chr17:65,537,734, plus strand): 5'-AGACTGGCAGCCAGGGGTCTTGAGGACCCTGGACAGGTGATCGTCCAGTATCGTCTGCGG[G>T]TCTTCCTCGTAGCTGCCGGAGGGCAGTAGGGAGAGGGGGTGCTGCGTGGGCGCCCCCTCC-3'
Protein context (NP_004646.3, residues 424-444): SLLPSGSYEE[Asp434Glu]PQTILDDHLS

ClinVar aggregate classification (germline): Uncertain significance. Review status: criteria provided, multiple submitters, no conflicts (2 of 4 stars). 2 submissions from 2 submitters: Uncertain significance (2). Last evaluated 2026-03-14.

Conditions:
Oligodontia-cancer predisposition syndrome. Also called: TOOTH AGENESIS-COLORECTAL CANCER SYNDROME. Identifiers: Orphanet 300576, MedGen C1837750, MONDO:0012075, OMIM 608615. Disease mechanism: loss of function.
Hereditary cancer-predisposing syndrome. Also called: Neoplastic Syndromes, Hereditary; Tumor predisposition; Hereditary Cancer Syndrome; Hereditary neoplastic syndrome. Identifiers: Orphanet 140162, MedGen C0027672, MeSH D009386, MONDO:0015356.

Submissions (2):

Ambry Genetics
Classification: Uncertain significance for Hereditary cancer-predisposing syndrome. Last evaluated: 2026-03-14. Review status: criteria provided, single submitter. Criteria: Ambry Variant Classification Scheme 2023. Collection method: clinical testing. Allele origin: germline.
Comment: The p.D434E variant (also known as c.1302C>A), located in coding exon 5 of the AXIN2 gene, results from a C to A substitution at nucleotide position 1302. The aspartic acid at codon 434 is replaced by glutamic acid, an amino acid with highly similar properties. This amino acid position is conserved. In addition, this alteration is predicted to be tolerated by in silico analysis. Based on the available evidence, the clinical significance of this variant remains unclear.

Labcorp Genetics (formerly Invitae), Labcorp
Classification: Uncertain significance for Oligodontia-cancer predisposition syndrome. Last evaluated: 2025-04-27. Review status: criteria provided, single submitter. Criteria: Invitae Variant Classification Sherloc (09022015). Collection method: clinical testing. Allele origin: germline.
Comment: This sequence change replaces aspartic acid, which is acidic and polar, with glutamic acid, which is acidic and polar, at codon 434 of the AXIN2 protein (p.Asp434Glu). This variant is not present in population databases (gnomAD no frequency). This variant has not been reported in the literature in individuals affected with AXIN2-related conditions. ClinVar contains an entry for this variant (Variation ID: 2013600). Invitae Evidence Modeling of protein sequence and biophysical properties (such as structural, functional, and spatial information, amino acid conservation, physicochemical variation, residue mobility, and thermodynamic stability) indicates that this missense variant is expected to disrupt AXIN2 protein function with a positive predictive value of 80%. In summary, the available evidence is currently insufficient to determine the role of this variant in disease. Therefore, it has been classified as a Variant of Uncertain Significance.